The following is an entry in ClinVar:

ClinVar aggregate classification (germline): Uncertain significance (1 of 4 stars; one submission).

Conditions:
Brugada syndrome. Also called: Sudden unexpected nocturnal death syndrome; Sudden Unexplained Death Syndrome; Sudden Unexplained Nocturnal Death Syndrome (SUNDS); Sudden unexplained nocturnal death syndrome. Identifiers: MONDO:0015263, Orphanet 130, MedGen C1142166.

Submission:

Labcorp Genetics (formerly Invitae), Labcorp
Classification: Uncertain significance for Brugada syndrome. Last evaluated: 2024-10-28. Review status: criteria provided, single submitter. Criteria: Invitae Variant Classification Sherloc (09022015). Collection method: clinical testing. Allele origin: germline.
Comment: This sequence change replaces aspartic acid, which is acidic and polar, with tyrosine, which is neutral and polar, at codon 454 of the SLMAP protein (p.Asp454Tyr). This variant is not present in population databases (gnomAD no frequency). This variant has not been reported in the literature in individuals affected with SLMAP-related conditions. An algorithm developed to predict the effect of missense changes on protein structure and function (PolyPhen-2) suggests that this variant is likely to be disruptive. In summary, the available evidence is currently insufficient to determine the role of this variant in disease. Therefore, it has been classified as a Variant of Uncertain Significance.

NM_001377540.1(SLMAP):c.1462G>T (p.Asp488Tyr)

Gene: SLMAP (sarcolemma associated protein; plus strand). Cytogenetic location: 3p14.3.
Variant type: single nucleotide variant.
Coding change: c.1462G>T on transcript NM_001377540.1 (MANE Select); coding-DNA position 1462, G replaced by T.
Protein change: p.Asp488Tyr; replaces aspartic acid 488 with tyrosine.
Molecular consequence: missense variant. On other transcripts: non-coding transcript variant (1).
Genome position (GRCh38, 1-based): chr3:57,896,893, G>T. VCF-style: chr3-57896893-G-T. GRCh37 (hg19) VCF-style: chr3-57882620-G-T.
Other names: c.1411G>T, p.Asp471Tyr (NM_001304420.3, NM_001377541.1, NM_001377542.1 and 2 more transcripts); c.1297G>T, p.Asp433Tyr (NM_001304421.2, NM_001377925.1, NM_001377557.1 and 1 more transcripts); c.13G>T, p.Asp5Tyr (NM_001304422.3, NM_001304423.3, NM_001311178.2 and 4 more transcripts); c.1462G>T, p.Asp488Tyr (NM_001377538.1, NM_001377539.1, NM_001377555.1); c.1399G>T, p.Asp467Tyr (NM_001377922.1, NM_001377545.1); c.1360G>T, p.Asp454Tyr (NM_001377923.1, NM_007159.5, NM_001377549.1); c.1348G>T, p.Asp450Tyr (NM_001377924.1, NM_001377551.1, NM_001377552.1); short protein forms D471Y, D433Y, D454Y, D467Y, D5Y, D450Y, D488Y.
Identifiers: ClinVar variation 2818493 (VCV002818493.3), dbSNP rs2474794609, ClinGen allele CA353412354.
Genomic context (GRCh38, chr3:57,896,893, plus strand): 5'-ACTGTCTGTAATTATATATGTATTTTTTTCCTCTCTGTAGACGCCCAAATGGATGAGCAA[G>T]ACCTAAATGAGCCTCTTGCCAAAGTGTCCCTTTTAAAAGGTACTTTAACATGTTTTTATG-3'
Protein context (NP_001364469.1, residues 478-498): DTTDAQMDEQ[Asp488Tyr]LNEPLAKVSL